The following is an entry in ClinVar:

ClinVar aggregate classification (germline): Likely pathogenic (1 of 4 stars; one submission).

Conditions:
Hypogonadotropic hypogonadism 2 with or without anosmia (HH2). Also called: HYPOGONADOTROPIC HYPOGONADISM 2 WITHOUT ANOSMIA; HYPOGONADOTROPIC HYPOGONADISM 2 WITH OR WITHOUT ANOSMIA, SUSCEPTIBILITY TO; HYPOGONADOTROPIC HYPOGONADISM 2 WITHOUT ANOSMIA, SUSCEPTIBILITY TO; FGFR1-Related GnRH Deficiency (Kallmann Syndrome 2). Identifiers: Orphanet 478, MedGen C1563720, MONDO:0007844, OMIM 147950. Disease mechanism: loss of function.

Submission:

Department of Pediatrics, Asan Medical Center, University of Ulsan College of Medicine
Classification: Likely pathogenic for Hypogonadotropic hypogonadism 2 with or without anosmia. Last evaluated: 2026-07-19. Review status: criteria provided, single submitter. Criteria: ACMG Guidelines, 2015. Collection method: research. Allele origin: germline. Inheritance: Autosomal dominant inheritance. Affected: yes. Observed: 1 heterozygote.
Comment: ACMG/AMP evidence codes: PVS1, PM2_Supporting. Not found in gnomAD. Novel variant.

NM_023110.3(FGFR1):c.936+1del

Gene: FGFR1 (fibroblast growth factor receptor 1; minus strand). Cytogenetic location: 8p11.23.
Variant type: Deletion.
Coding change: c.936+1del on transcript NM_023110.3 (MANE Select); the canonical splice donor site of the intron after coding-DNA position 936, one base deleted (G; older notation c.936+1delG).
Molecular consequence: splice donor variant.
Genome position (GRCh38, 1-based): chr8:38,424,508, C deleted on the plus strand (G on the coding strand, the reverse complement: FGFR1 is on the minus strand); the first of 2 consecutive C bases (chr8:38,424,508-38,424,509); deleting either gives the same sequence. VCF-style (leftmost placement, unchanged base first): chr8-38424507-AC-A. GRCh37 (hg19) VCF-style: chr8-38282025-AC-A.
Other names: c.663+1del (NM_001354368.2, NM_001354370.2, NM_023106.3); c.669+1del (NM_023105.3, NM_001174066.2); c.930+1del (NM_001354367.2, NM_015850.4, NM_001354369.2 and 2 more transcripts); c.936+1del (NM_001174063.2); c.912+1del (NM_001174064.2); c.1029+1del (NM_001174067.2).
Identifiers: ClinVar variation 4879463 (VCV004879463.1).
Genomic context (GRCh38, chr8:38,424,507, plus strand): 5'-GCCCCCGAGACAGTGGTCTCCTTCCCAGTAGACTGGCCCACGAAGACTGGTGCCATGATT[AC>A]CTTCAAGATCTGGACATAAGGCAGGTTGTCTGGGCCAATCTTGCTCCCATTCACCTCGAT-3'